The following is an entry in ClinVar:

NM_177438.3(DICER1):c.142C>A (p.Gln48Lys)

Gene: DICER1 (dicer 1, ribonuclease III; minus strand). Cytogenetic location: 14q32.13.
Variant type: single nucleotide variant.
Coding change: c.142C>A on transcript NM_177438.3 (MANE Select); coding-DNA position 142, C replaced by A.
Protein change: p.Gln48Lys; replaces glutamine 48 with lysine.
Molecular consequence: missense variant. On other transcripts: 5 prime UTR variant (8), non-coding transcript variant (6), intron variant (1).
Genome position (GRCh38, 1-based): chr14:95,133,317, G>T on the plus strand (C>A on the coding strand, the complement: DICER1 is on the minus strand). VCF-style: chr14-95133317-G-T. GRCh37 (hg19) VCF-style: chr14-95599654-G-T.
Other names: c.142C>A, p.Gln48Lys (NM_001195573.1, NM_001271282.3, NM_001291628.2 and 15 more transcripts); c.-133C>A (NM_001395686.1, NM_001395688.1, NM_001395689.1 and 3 more transcripts); c.-317C>A (NM_001395691.1); c.-1427C>A (NM_001395697.1); c.-130-640C>A (NM_001395687.1); short protein forms Q48K.
Identifiers: ClinVar variation 2566198 (VCV002566198.2), dbSNP rs1894113719, ClinGen allele CA390890328.

ClinVar aggregate classification (germline): Uncertain significance (1 of 4 stars; one submission).

Conditions:
Hereditary cancer-predisposing syndrome. Also called: Neoplastic Syndromes, Hereditary; Hereditary Cancer Syndrome; Hereditary neoplastic syndrome; Tumor predisposition. Identifiers: Orphanet 140162, MedGen C0027672, MeSH D009386, MONDO:0015356.

Submission:

Ambry Genetics
Classification: Uncertain significance for Hereditary cancer-predisposing syndrome. Last evaluated: 2023-05-13. Review status: criteria provided, single submitter. Criteria: Ambry Variant Classification Scheme 2023. Collection method: clinical testing. Allele origin: germline.
Comment: The p.Q48K variant (also known as c.142C>A), located in coding exon 1 of the DICER1 gene, results from a C to A substitution at nucleotide position 142. The glutamine at codon 48 is replaced by lysine, an amino acid with similar properties. This amino acid position is conserved. In addition, this alteration is predicted to be deleterious by in silico analysis. Since supporting evidence is limited at this time, the clinical significance of this alteration remains unclear.